The following is an entry in ClinVar:

ClinVar aggregate classification (germline): Uncertain significance. Review status: criteria provided, multiple submitters, no conflicts (2 of 4 stars). 3 submissions from 3 submitters: Uncertain significance (2). 1 of the submissions does not count toward it. Last evaluated 2024-02-29.

Conditions:
Bardet-Biedl syndrome 2 (BBS2). Identifiers: Orphanet 110, MedGen C2936863, MONDO:0014432, OMIM 615981.
Retinitis pigmentosa 74 (RP74). Identifiers: Orphanet 791, MedGen C4225281, MONDO:0014692, OMIM 616562.
BBS2-related disorder. Also called: BBS2-related condition; BBS2-related disorders. Identifiers: MedGen CN239228.

Submissions (3):

Fulgent Genetics
Classification: Uncertain significance for Bardet-Biedl syndrome 2; Retinitis pigmentosa 74. Last evaluated: 2024-02-29. Review status: criteria provided, single submitter. Criteria: ACMG Guidelines, 2015. Collection method: clinical testing. Allele origin: germline.

Blueprint Genetics
Classification: Uncertain significance. Last evaluated: 2019-07-16. Review status: criteria provided, single submitter. Criteria: ACMG Guidelines, 2015. Collection method: clinical testing. Allele origin: germline.

PreventionGenetics, part of Exact Sciences
Classification: Uncertain significance for BBS2-related condition. Last evaluated: 2024-06-19. Review status: no assertion criteria provided. Collection method: clinical testing. Allele origin: germline. Not counted in ClinVar's aggregate classification.
Comment: The BBS2 c.443A>G variant is predicted to result in the amino acid substitution p.Asn148Ser. To our knowledge, this variant has not been reported in the literature. This variant is reported in 0.0062% of alleles in individuals of African descent in gnomAD. A different nucleotide substitution affecting the same amino acid (p.Asn148Ile) has been reported in the homozygous state in two siblings with Bardet-Biedl Syndrome (Ali et al. 2021. PubMed ID: 33688495). At this time, the clinical significance of this variant is uncertain due to the absence of conclusive functional and genetic evidence.

NM_031885.5(BBS2):c.443A>G (p.Asn148Ser)

Gene: BBS2 (Bardet-Biedl syndrome 2; minus strand). Cytogenetic location: 16q13.
Variant type: single nucleotide variant.
Coding change: c.443A>G on transcript NM_031885.5 (MANE Select); coding-DNA position 443, A replaced by G.
Protein change: p.Asn148Ser; replaces asparagine 148 with serine.
Molecular consequence: missense variant. On other transcripts: non-coding transcript variant (5).
Genome position (GRCh38, 1-based): chr16:56,511,187, T>C on the plus strand (A>G on the coding strand, the complement: BBS2 is on the minus strand). VCF-style: chr16-56511187-T-C. GRCh37 (hg19) VCF-style: chr16-56545099-T-C.
Other names: c.443A>G, p.Asn148Ser (NM_001377456.1); short protein forms N148S.
Identifiers: ClinVar variation 3355171 (VCV003355171.3).